The following is an entry in ClinVar:

NM_001478.5(B4GALNT1):c.67C>G (p.Leu23Val)

Gene: B4GALNT1 (beta-1,4-N-acetyl-galactosaminyltransferase 1; minus strand). Cytogenetic location: 12q13.3.
Variant type: single nucleotide variant.
Coding change: c.67C>G on transcript NM_001478.5 (MANE Select); coding-DNA position 67, C replaced by G.
Protein change: p.Leu23Val; replaces leucine 23 with valine.
Molecular consequence: missense variant.
Genome position (GRCh38, 1-based): chr12:57,632,066, G>C on the plus strand (C>G on the coding strand, the complement: B4GALNT1 is on the minus strand). VCF-style: chr12-57632066-G-C. GRCh37 (hg19) VCF-style: chr12-58025849-G-C.
Other names: c.67C>G, p.Leu23Val (NM_001413973.1, NM_001413974.1, NM_001413977.1 and 11 more transcripts); c.-837C>G (NM_001413981.1, NM_001413982.1, NM_001413983.1 and 1 more transcripts); short protein forms L23V.
Identifiers: ClinVar variation 2180603 (VCV002180603.4), dbSNP rs974639680, ClinGen allele CA385503240.

ClinVar aggregate classification (germline): Uncertain significance (1 of 4 stars; one submission).

Conditions:
Spastic paraplegia. Identifiers: MedGen C0037772, HP:0001258.

gnomAD v4.1: 5 of 1,445,264 alleles (0.00035%); highest among the groups gnomAD compares: Non-Finnish European, 0.00046%; no homozygotes.

Submission:

Labcorp Genetics (formerly Invitae), Labcorp
Classification: Uncertain significance for Spastic paraplegia. Last evaluated: 2022-09-27. Review status: criteria provided, single submitter. Criteria: Invitae Variant Classification Sherloc (09022015). Collection method: clinical testing. Allele origin: germline.
Comment: This variant is not present in population databases (gnomAD no frequency). This sequence change replaces leucine, which is neutral and non-polar, with valine, which is neutral and non-polar, at codon 23 of the B4GALNT1 protein (p.Leu23Val). This variant has not been reported in the literature in individuals affected with B4GALNT1-related conditions. Algorithms developed to predict the effect of missense changes on protein structure and function (SIFT, PolyPhen-2, Align-GVGD) all suggest that this variant is likely to be tolerated. In summary, the available evidence is currently insufficient to determine the role of this variant in disease. Therefore, it has been classified as a Variant of Uncertain Significance.